The following is an entry in ClinVar:

NM_182493.3(MYLK3):c.433C>A (p.Arg145Ser)

Gene: MYLK3 (myosin light chain kinase 3; minus strand). Cytogenetic location: 16q11.2.
Variant type: single nucleotide variant.
Coding change: c.433C>A on transcript NM_182493.3 (MANE Select); coding-DNA position 433, C replaced by A.
Protein change: p.Arg145Ser; replaces arginine 145 with serine.
Molecular consequence: missense variant. On other transcripts: intron variant (1).
Genome position (GRCh38, 1-based): chr16:46,747,761, G>T on the plus strand (C>A on the coding strand, the complement: MYLK3 is on the minus strand). VCF-style: chr16-46747761-G-T. GRCh37 (hg19) VCF-style: chr16-46781673-G-T.
Other names: c.-113-7614C>A (NM_001308301.1); short protein forms R145S.
Identifiers: ClinVar variation 2297855 (VCV002297855.5), dbSNP rs778647098, ClinGen allele CA395796818.
Genomic context (GRCh38, chr16:46,747,761, plus strand): 5'-GGAAGCAGGAACCAACCTCCTCAGGGCTGTCACCTGGGCTGCCTCTCCTCCAGGGCACAC[G>T]CCCCTGCATGAGGAAATCCGCCACCTTTGATTTCTGGAACGTGGCCCCCACCAAAGCGAT-3'
Protein context (NP_872299.2, residues 135-155): SKVADFLMQG[Arg145Ser]VPWRRGSPGD

ClinVar aggregate classification (germline): Conflicting classifications of pathogenicity. Review status: criteria provided, conflicting classifications (1 of 4 stars). 2 submissions from 2 submitters: Uncertain significance (1); Likely benign (1). Last evaluated 2025-11-24.

gnomAD v4.1: 2 of 1,614,140 alleles (0.00012%); highest among the groups gnomAD compares: Non-Finnish European, 0.00017%; no homozygotes.

Submissions (2):

Labcorp Genetics (formerly Invitae), Labcorp
Classification: Uncertain significance. Last evaluated: 2025-11-24. Review status: criteria provided, single submitter. Criteria: Invitae Variant Classification Sherloc (09022015). Collection method: clinical testing. Allele origin: germline.
Comment: This sequence change replaces arginine, which is basic and polar, with serine, which is neutral and polar, at codon 145 of the MYLK3 protein (p.Arg145Ser). This variant is not present in population databases (gnomAD no frequency). This variant has not been reported in the literature in individuals affected with MYLK3-related conditions. ClinVar contains an entry for this variant (Variation ID: 2297855). An algorithm developed to predict the effect of missense changes on protein structure and function outputs the following: PolyPhen-2: "Benign". The serine amino acid residue is found in multiple mammalian species, which suggests that this missense change does not adversely affect protein function. In summary, the available evidence is currently insufficient to determine the role of this variant in disease. Therefore, it has been classified as a Variant of Uncertain Significance.

Ambry Genetics
Classification: Likely benign. Last evaluated: 2022-06-27. Review status: criteria provided, single submitter. Criteria: Ambry Variant Classification Scheme 2023. Collection method: clinical testing. Allele origin: germline.